The following is an entry in ClinVar:

NM_004329.3(BMPR1A):c.1214A>G (p.Lys405Arg)

Gene: BMPR1A (bone morphogenetic protein receptor type 1A; plus strand). Cytogenetic location: 10q23.2.
Variant type: single nucleotide variant.
Coding change: c.1214A>G on transcript NM_004329.3 (MANE Select); coding-DNA position 1214, A replaced by G.
Protein change: p.Lys405Arg; replaces lysine 405 with arginine.
Molecular consequence: missense variant.
Genome position (GRCh38, 1-based): chr10:86,921,567, A>G. VCF-style: chr10-86921567-A-G. GRCh37 (hg19) VCF-style: chr10-88681324-A-G.
Other names: short protein forms K405R.
Identifiers: ClinVar variation 422155 (VCV000422155.25), dbSNP rs1064795593, ClinGen allele CA16619009.

ClinVar aggregate classification (germline): Conflicting classifications of pathogenicity. Review status: criteria provided, conflicting classifications (1 of 4 stars). 8 submissions from 8 submitters: Uncertain significance (7); Likely benign (1). Last evaluated 2025-12-10.

Conditions:
Pulmonary arterial hypertension. Identifiers: Orphanet 182090, MedGen C2973725, MeSH D000081029, MONDO:0015924, HP:0002092.
Juvenile polyposis syndrome (JPS). Identifiers: Orphanet 2929, MedGen C0345893, MONDO:0017380, OMIM 174900.
Hereditary cancer-predisposing syndrome. Also called: Hereditary neoplastic syndrome; Hereditary Cancer Syndrome; Neoplastic Syndromes, Hereditary; Tumor predisposition. Identifiers: Orphanet 140162, MedGen C0027672, MeSH D009386, MONDO:0015356.
Polyposis syndrome, hereditary mixed, 2. Identifiers: Orphanet 157794, MedGen C1864730, MONDO:0012405, OMIM 610069.

Allele frequency attached by ClinVar (database versions not stated): gnomAD exomes below 0.00001.
gnomAD v4.1: 2 of 1,614,124 alleles (0.00012%); highest among the groups gnomAD compares: Non-Finnish European, 0.00017%; no homozygotes.

Submissions (8):

Labcorp Genetics (formerly Invitae), Labcorp
Classification: Uncertain significance for Juvenile polyposis syndrome. Last evaluated: 2025-12-10. Review status: criteria provided, single submitter. Criteria: Invitae Variant Classification Sherloc (09022015). Collection method: clinical testing. Allele origin: germline.
Comment: This sequence change replaces lysine, which is basic and polar, with arginine, which is basic and polar, at codon 405 of the BMPR1A protein (p.Lys405Arg). This variant is not present in population databases (gnomAD no frequency). This variant has not been reported in the literature in individuals affected with BMPR1A-related conditions. ClinVar contains an entry for this variant (Variation ID: 422155). Invitae Evidence Modeling of protein sequence and biophysical properties (such as structural, functional, and spatial information, amino acid conservation, physicochemical variation, residue mobility, and thermodynamic stability) indicates that this missense variant is not expected to disrupt BMPR1A protein function with a negative predictive value of 80%. In summary, the available evidence is currently insufficient to determine the role of this variant in disease. Therefore, it has been classified as a Variant of Uncertain Significance.

Ambry Genetics
Classification: Uncertain significance for Hereditary cancer-predisposing syndrome. Last evaluated: 2025-06-19. Review status: criteria provided, single submitter. Criteria: Ambry Variant Classification Scheme 2023. Collection method: clinical testing. Allele origin: germline.
Comment: The p.K405R variant (also known as c.1214A>G), located in coding exon 9 of the BMPR1A gene, results from an A to G substitution at nucleotide position 1214. The lysine at codon 405 is replaced by arginine, an amino acid with highly similar properties. This amino acid position is well conserved in available vertebrate species; however, arginine is the reference amino acid in other vertebrate species. In addition, this alteration is predicted to be tolerated by in silico analysis. Since supporting evidence is limited at this time, the clinical significance of this alteration remains unclear.

Center for Genomic Medicine, Rigshospitalet, Copenhagen University Hospital
Classification: Uncertain significance. Last evaluated: 2025-03-04. Review status: criteria provided, single submitter. Criteria: ACMG Guidelines, 2015. Collection method: clinical testing. Allele origin: germline.

Myriad Genetics, Inc.
Classification: Likely benign for Juvenile polyposis syndrome. Last evaluated: 2024-08-07. Review status: criteria provided, single submitter. Criteria: Myriad Autosomal Dominant, Autosomal Recessive and X-Linked Classification Criteria (2023). Collection method: clinical testing. Allele origin: unknown.
Comment: This variant is considered likely benign. Homozygosity has been confirmed in one or more individuals. As homozygosity for pathogenic variants in this gene is generally assumed to result in embryonic lethality, this variant is unlikely to be pathogenic.

Baylor Genetics
Classification: Uncertain significance for Polyposis syndrome, hereditary mixed, 2. Last evaluated: 2023-12-16. Review status: criteria provided, single submitter. Criteria: ACMG Guidelines, 2015. Collection method: clinical testing. Allele origin: unknown.

All of Us Research Program, National Institutes of Health
Classification: Uncertain significance for Juvenile polyposis syndrome. Last evaluated: 2023-08-15. Review status: criteria provided, single submitter. Criteria: ACMG Guidelines, 2015. Collection method: clinical testing. Allele origin: germline. Inheritance: Autosomal dominant inheritance. Observed: 2 variant alleles, 2 heterozygotes.
Comment: This missense variant replaces lysine with arginine at codon 405 of the BMPR1A protein. Computational prediction suggests that this variant may not impact protein structure and function (internally defined REVEL score threshold <= 0.5, PMID: 27666373). To our knowledge, functional studies have not been reported for this variant. This variant has not been reported in individuals affected with BMPR1A-related disorders in the literature. This variant has not been identified in the general population by the Genome Aggregation Database (gnomAD). The available evidence is insufficient to determine the role of this variant in disease conclusively. Therefore, this variant is classified as a Variant of Uncertain Significance.

This study involves interpretation of variants in research participants for the purpose of population health screening. Participant phenotype was not available at the time of variant classification. Additional details can be found in publication PMID: 35346344, PMCID: PMC8962531

Department of Pathology and Laboratory Medicine, Sinai Health System
Classification: Uncertain significance for pulmonary arterial hypertension. Last evaluated: 2020-07-29. Review status: criteria provided, single submitter. Criteria: ACMG Guidelines, 2015. Collection method: clinical testing. Allele origin: germline. Affected: no.

GeneDx
Classification: Uncertain significance. Last evaluated: 2017-04-12. Review status: criteria provided, single submitter. Criteria: GeneDx Variant Classification (06012015). Collection method: clinical testing. Allele origin: germline. Affected: yes.
Comment: This variant is denoted BMPR1A c.1214A>G at the cDNA level, p.Lys405Arg (K405R) at the protein level, and results in the change of a Lysine to an Arginine (AAA>AGA). This variant has not, to our knowledge, been published in the literature as pathogenic or benign. BMPR1A Lys405Arg was not observed in large population cohorts (Lek 2016, The 1000 Genomes Consortium 2015, NHLBI Exome Sequencing Project). Since Lysine and Arginine share similar properties, this is considered a conservative amino acid substitution. BMPR1A Lys405Arg occurs at a position where amino acids with properties similar to Lysine are tolerated across species and is located in the protein kinase domain (Howe 2004, UniProt). In silico analyses are inconsistent regarding the effect this variant may have on protein structure and function. Based on currently available evidence, it is unclear whether BMPR1A Lys405Arg is a pathogenic or benign variant. We consider it to be a variant of uncertain significance.